The following is an entry in ClinVar:

NM_201596.3(CACNB2):c.1855A>G (p.Asn619Asp)

Gene: CACNB2 (calcium voltage-gated channel auxiliary subunit beta 2; plus strand). Cytogenetic location: 10p12.31.
Variant type: single nucleotide variant.
Coding change: c.1855A>G on transcript NM_201596.3 (MANE Select); coding-DNA position 1855, A replaced by G.
Protein change: p.Asn619Asp; replaces asparagine 619 with aspartic acid.
Molecular consequence: missense variant.
Genome position (GRCh38, 1-based): chr10:18,539,596, A>G. VCF-style: chr10-18539596-A-G. GRCh37 (hg19) VCF-style: chr10-18828525-A-G.
Other names: c.1690A>G, p.Asn564Asp (NM_000724.4); c.1657A>G, p.Asn553Asp (NM_001167945.2); c.1576A>G, p.Asn526Asp (NM_001330060.2); c.1597A>G, p.Asn533Asp (NM_001410882.1); c.1711A>G, p.Asn571Asp (NM_201570.3); c.1771A>G, p.Asn591Asp (NM_201571.4); c.1699A>G, p.Asn567Asp (NM_201572.4); c.1693A>G, p.Asn565Asp (NM_201590.3); and 2 more; short protein forms N533D, N565D, N567D, N595D, N564D, N581D, N553D, N591D.
Identifiers: ClinVar variation 2562823 (VCV002562823.2), dbSNP rs1362502929, ClinGen allele CA376072638.

ClinVar aggregate classification (germline): Uncertain significance (1 of 4 stars; one submission).

Conditions:
Cardiovascular phenotype. Identifiers: MedGen CN230736.

Allele frequency attached by ClinVar (database versions not stated): gnomAD 0.00001.
gnomAD v4.1: 2 of 1,613,764 alleles (0.00012%); highest among the groups gnomAD compares: Non-Finnish European, 0.00017%; no homozygotes.

Submission:

Ambry Genetics
Classification: Uncertain significance for Cardiovascular phenotype. Last evaluated: 2023-04-14. Review status: criteria provided, single submitter. Criteria: Ambry Variant Classification Scheme 2023. Collection method: clinical testing. Allele origin: germline.
Comment: The p.N565D variant (also known as c.1693A>G), located in coding exon 13 of the CACNB2 gene, results from an A to G substitution at nucleotide position 1693. The asparagine at codon 565 is replaced by aspartic acid, an amino acid with highly similar properties. This amino acid position is conserved. In addition, this alteration is predicted to be tolerated by in silico analysis. Since supporting evidence is limited at this time, the clinical significance of this alteration remains unclear.